The following is an entry in ClinVar:

ClinVar aggregate classification (germline): Uncertain significance (1 of 4 stars; one submission).

gnomAD v4.1: 8 of 1,200,520 alleles (0.00067%); highest among the groups gnomAD compares: Non-Finnish European, 0.00072%; no homozygotes.

Submission:

CeGaT Center for Human Genetics Tuebingen
Classification: Uncertain significance. Last evaluated: 2026-07-01. Review status: criteria provided, single submitter. Criteria: CeGaT Center For Human Genetics Tuebingen Variant Classification Criteria Version 2. Collection method: clinical testing. Allele origin: germline. Affected: yes. Observed: 1 variant allele.
Comment: GATA6: PP3

NM_005257.6(GATA6):c.809C>G (p.Pro270Arg)

Gene: GATA6 (GATA binding protein 6; plus strand). Cytogenetic location: 18q11.2.
Variant type: single nucleotide variant.
Coding change: c.809C>G on transcript NM_005257.6 (MANE Select); coding-DNA position 809, C replaced by G.
Protein change: p.Pro270Arg; replaces proline 270 with arginine.
Molecular consequence: missense variant.
Genome position (GRCh38, 1-based): chr18:22,171,953, C>G. VCF-style: chr18-22171953-C-G. GRCh37 (hg19) VCF-style: chr18-19751914-C-G.
Other names: short protein forms P270R.
Identifiers: ClinVar variation 4875339 (VCV004875339.2).